The following is an entry in ClinVar:

ClinVar aggregate classification (germline): Uncertain significance. Review status: criteria provided, multiple submitters, no conflicts (2 of 4 stars). 3 submissions from 3 submitters: Uncertain significance (3). Last evaluated 2025-06-05.

Conditions:
Hereditary cancer-predisposing syndrome. Also called: Hereditary neoplastic syndrome; Tumor predisposition; Hereditary Cancer Syndrome; Neoplastic Syndromes, Hereditary. Identifiers: Orphanet 140162, MedGen C0027672, MeSH D009386, MONDO:0015356.
Familial adenomatous polyposis 1 (FAP1). Also called: FAMILIAL ADENOMATOUS POLYPOSIS 1, ATTENUATED; POLYPOSIS, ADENOMATOUS INTESTINAL. Identifiers: MedGen C2713442, MONDO:0021056, OMIM 175100. Disease mechanism: loss of function.

Submissions (3):

Women's Health and Genetics/Laboratory Corporation of America, LabCorp
Classification: Uncertain significance. Last evaluated: 2025-06-05. Review status: criteria provided, single submitter. Criteria: LabCorp Variant Classification Summary - May 2015. Collection method: clinical testing. Allele origin: germline.
Comment: Variant summary: APC c.6488A>T (p.Lys2163Ile) results in a non-conservative amino acid change in the encoded protein sequence. Algorithms developed to predict the effect of missense changes on protein structure and function all suggest that this variant is likely to be disruptive. The variant was absent in 249906 control chromosomes. The available data on variant occurrences in the general population are insufficient to allow any conclusion about variant significance. To our knowledge, no occurrence of c.6488A>T in individuals affected with Familial Adenomatous Polyposis and no experimental evidence demonstrating its impact on protein function have been reported. ClinVar contains an entry for this variant (Variation ID: 495371). Based on the evidence outlined above, the variant was classified as uncertain significance.

Labcorp Genetics (formerly Invitae), Labcorp
Classification: Uncertain significance for Familial adenomatous polyposis 1. Last evaluated: 2021-10-13. Review status: criteria provided, single submitter. Criteria: Invitae Variant Classification Sherloc (09022015). Collection method: clinical testing. Allele origin: germline.
Comment: ClinVar contains an entry for this variant (Variation ID: 495371). In summary, the available evidence is currently insufficient to determine the role of this variant in disease. Therefore, it has been classified as a Variant of Uncertain Significance. Algorithms developed to predict the effect of missense changes on protein structure and function are either unavailable or do not agree on the potential impact of this missense change (SIFT: "Deleterious"; PolyPhen-2: "Probably Damaging"; Align-GVGD: "Class C15"). This variant has not been reported in the literature in individuals affected with APC-related conditions. This variant is not present in population databases (ExAC no frequency). This sequence change replaces lysine with isoleucine at codon 2163 of the APC protein (p.Lys2163Ile). The lysine residue is highly conserved and there is a moderate physicochemical difference between lysine and isoleucine.

Ambry Genetics
Classification: Uncertain significance for Hereditary cancer-predisposing syndrome. Last evaluated: 2020-05-12. Review status: criteria provided, single submitter. Criteria: Ambry Variant Classification Scheme 2023. Collection method: clinical testing. Allele origin: germline.
Comment: The p.K2163I variant (also known as c.6488A>T), located in coding exon 15 of the APC gene, results from an A to T substitution at nucleotide position 6488. The lysine at codon 2163 is replaced by isoleucine, an amino acid with dissimilar properties. This amino acid position is well conserved in available vertebrate species. In addition, in silico predictors for this gene do not accurately predict pathogenicity. Since supporting evidence is limited at this time, the clinical significance of this alteration remains unclear.

NM_000038.6(APC):c.6488A>T (p.Lys2163Ile)

Gene: APC (APC regulator of Wnt signaling pathway; plus strand). Cytogenetic location: 5q22.2.
Variant type: single nucleotide variant.
Coding change: c.6488A>T on transcript NM_000038.6 (MANE Select); coding-DNA position 6488, A replaced by T.
Protein change: p.Lys2163Ile; replaces lysine 2163 with isoleucine.
Molecular consequence: missense variant.
Genome position (GRCh38, 1-based): chr5:112,842,082, A>T. VCF-style: chr5-112842082-A-T. GRCh37 (hg19) VCF-style: chr5-112177779-A-T.
Other names: c.6488A>T, p.Lys2163Ile (NM_001127510.3, NM_001354895.2); c.6434A>T, p.Lys2145Ile (NM_001127511.3); c.6542A>T, p.Lys2181Ile (NM_001354896.2); c.6518A>T, p.Lys2173Ile (NM_001354897.2); c.6413A>T, p.Lys2138Ile (NM_001354898.2); c.6404A>T, p.Lys2135Ile (NM_001354899.2); c.6365A>T, p.Lys2122Ile (NM_001354900.2); c.6311A>T, p.Lys2104Ile (NM_001354901.2); and 5 more; short protein forms K2145I, K2163I, K2062I, K2037I, K2122I, K1880I, K2003I, K2072I.
Identifiers: ClinVar variation 495371 (VCV000495371.10), dbSNP rs1554087458, ClinGen allele CA16035533.